The following is an entry in ClinVar:

NM_024700.4(SNIP1):c.136C>T (p.Pro46Ser)

Gene: SNIP1 (Smad nuclear interacting protein 1; minus strand). Cytogenetic location: 1p34.3.
Variant type: single nucleotide variant.
Coding change: c.136C>T on transcript NM_024700.4 (MANE Select); coding-DNA position 136, C replaced by T.
Protein change: p.Pro46Ser; replaces proline 46 with serine.
Molecular consequence: missense variant.
Genome position (GRCh38, 1-based): chr1:37,554,094, G>A on the plus strand (C>T on the coding strand, the complement: SNIP1 is on the minus strand). VCF-style: chr1-37554094-G-A. GRCh37 (hg19) VCF-style: chr1-38019695-G-A.
Other names: c.136C>T (NM_024700.2); short protein forms P46S.
Identifiers: ClinVar variation 2914066 (VCV002914066.4), dbSNP rs747440469, ClinGen allele CA339429942.

ClinVar aggregate classification (germline): Uncertain significance. Review status: criteria provided, multiple submitters, no conflicts (2 of 4 stars). 2 submissions from 2 submitters: Uncertain significance (2). Last evaluated 2025-04-13.

Allele frequency attached by ClinVar (database versions not stated): TOPMed 0.00001; gnomAD 0.00001.
gnomAD v4.1: 8 of 1,610,280 alleles (0.0005%); highest among the groups gnomAD compares: East Asian, 0.0022%; no homozygotes.

Submissions (2):

Ambry Genetics
Classification: Uncertain significance. Last evaluated: 2025-04-13. Review status: criteria provided, single submitter. Criteria: Ambry Variant Classification Scheme 2023. Collection method: clinical testing. Allele origin: germline.

Labcorp Genetics (formerly Invitae), Labcorp
Classification: Uncertain significance. Last evaluated: 2025-02-26. Review status: criteria provided, single submitter. Criteria: Invitae Variant Classification Sherloc (09022015). Collection method: clinical testing. Allele origin: germline.
Comment: This sequence change replaces proline, which is neutral and non-polar, with serine, which is neutral and polar, at codon 46 of the SNIP1 protein (p.Pro46Ser). This variant is present in population databases (no rsID available, gnomAD 0.002%). This variant has not been reported in the literature in individuals affected with SNIP1-related conditions. ClinVar contains an entry for this variant (Variation ID: 2914066). An algorithm developed to predict the effect of missense changes on protein structure and function outputs the following: PolyPhen-2: "Benign". The serine amino acid residue is found in multiple mammalian species, which suggests that this missense change does not adversely affect protein function. In summary, the available evidence is currently insufficient to determine the role of this variant in disease. Therefore, it has been classified as a Variant of Uncertain Significance.